The following is an entry in ClinVar:

ClinVar aggregate classification (germline): Likely benign (1 of 4 stars; one submission).

gnomAD v4.1: 2 of 1,613,908 alleles (0.00012%); highest among the groups gnomAD compares: South Asian, 0.0011%; no homozygotes.

Submission:

CeGaT Center for Human Genetics Tuebingen
Classification: Likely benign. Last evaluated: 2022-11-01. Review status: criteria provided, single submitter. Criteria: CeGaT Center For Human Genetics Tuebingen Variant Classification Criteria Version 2. Collection method: clinical testing. Allele origin: germline. Affected: yes. Observed: 1 variant allele.
Comment: SPTBN2: PM2:Supporting, BP4, BP7

NM_006946.4(SPTBN2):c.5652C>A (p.Ala1884=)

Gene: SPTBN2 (spectrin beta, non-erythrocytic 2; minus strand). Cytogenetic location: 11q13.2.
Variant type: single nucleotide variant.
Coding change: c.5652C>A on transcript NM_006946.4 (MANE Select); coding-DNA position 5652, C replaced by A.
Protein change: p.Ala1884=; no amino-acid change (alanine 1884 retained).
Molecular consequence: synonymous variant.
Genome position (GRCh38, 1-based): chr11:66,690,197, G>T on the plus strand (C>A on the coding strand, the complement: SPTBN2 is on the minus strand). VCF-style: chr11-66690197-G-T. GRCh37 (hg19) VCF-style: chr11-66457668-G-T.
Other names: c.5673C>A, p.Ala1891= (NM_001411025.1).
Identifiers: ClinVar variation 2642001 (VCV002642001.24), dbSNP rs141493701, ClinGen allele CA475498240.